The following is an entry in ClinVar:

NM_004370.6(COL12A1):c.1896C>T (p.Tyr632=)

Gene: COL12A1 (collagen type XII alpha 1 chain; minus strand). Cytogenetic location: 6q13.
Variant type: single nucleotide variant.
Coding change: c.1896C>T on transcript NM_004370.6 (MANE Select); coding-DNA position 1896, C replaced by T.
Protein change: p.Tyr632=; no amino-acid change (tyrosine 632 retained).
Molecular consequence: synonymous variant. On other transcripts: intron variant (1).
Genome position (GRCh38, 1-based): chr6:75,181,207, G>A on the plus strand (C>T on the coding strand, the complement: COL12A1 is on the minus strand). VCF-style: chr6-75181207-G-A. GRCh37 (hg19) VCF-style: chr6-75890923-G-A.
Other names: c.73+21513C>T (NM_080645.3).
Identifiers: ClinVar variation 542518 (VCV000542518.31), dbSNP rs201266825, ClinGen allele CA3894096.

ClinVar aggregate classification (germline): Likely benign. Review status: criteria provided, multiple submitters, no conflicts (2 of 4 stars). 6 submissions from 6 submitters: Likely benign (6). Last evaluated 2026-01-17.

Conditions:
COL12A1-related disorder. Also called: COL12A1-related condition.
Ullrich congenital muscular dystrophy 2 (UCMD2). Identifiers: Orphanet 75840, MedGen C4225314, MONDO:0014654, OMIM 616470.
Bethlem myopathy 2 (BTHLM2). Identifiers: Orphanet 536516, Orphanet 610, MedGen C4225313, MONDO:0034022, OMIM 616471.

Allele frequency attached by ClinVar (database versions not stated): gnomAD 0.00148 and 0.00159; gnomAD exomes 0.00016 and 0.00025; ExAC 0.00022; ESP Exome Variant Server 0.00051; 1000 Genomes Project 30x 0.00078; 1000 Genomes Project 0.00080; TOPMed 0.00082.
gnomAD v4.1: 345 of 1,497,786 alleles (0.023%); highest among the groups gnomAD compares: African/African-American, 0.34%; 1 homozygote.

Submissions (6):

Women's Health and Genetics/Laboratory Corporation of America, LabCorp
Classification: Likely benign. Last evaluated: 2026-01-17. Review status: criteria provided, single submitter. Criteria: LabCorp Variant Classification Summary - May 2015. Collection method: clinical testing. Allele origin: germline.

Labcorp Genetics (formerly Invitae), Labcorp
Classification: Likely benign for Bethlem myopathy 2; Ullrich congenital muscular dystrophy 2. Last evaluated: 2026-01-12. Review status: criteria provided, single submitter. Criteria: Invitae Variant Classification Sherloc (09022015). Collection method: clinical testing. Allele origin: germline.

PreventionGenetics, part of Exact Sciences
Classification: Likely benign for COL12A1-related condition. Last evaluated: 2025-05-08. Review status: criteria provided, single submitter. Criteria: ACMG Guidelines, 2015. Collection method: clinical testing. Allele origin: germline.
Comment: This variant is classified as likely benign based on ACMG/AMP sequence variant interpretation guidelines (Richards et al. 2015 PMID: 25741868, with internal and published modifications).

Blueprint Genetics
Classification: Likely benign. Last evaluated: 2024-09-04. Review status: criteria provided, single submitter. Criteria: ACMG Guidelines, 2015. Collection method: clinical testing. Allele origin: germline.

CeGaT Center for Human Genetics Tuebingen
Classification: Likely benign. Last evaluated: 2024-09-01. Review status: criteria provided, single submitter. Criteria: CeGaT Center For Human Genetics Tuebingen Variant Classification Criteria Version 2. Collection method: clinical testing. Allele origin: germline. Affected: yes. Observed: 1 variant allele.
Comment: COL12A1: BP4, BP7

GeneDx
Classification: Likely benign. Last evaluated: 2020-10-14. Review status: criteria provided, single submitter. Criteria: GeneDx Variant Classification Process June 2021. Collection method: clinical testing. Allele origin: germline. Affected: yes.